The following is an entry in ClinVar:

NM_014319.5(LEMD3):c.2024-2A>G

Gene: LEMD3 (LEM domain containing 3; plus strand). Cytogenetic location: 12q14.3.
Variant type: single nucleotide variant.
Coding change: c.2024-2A>G on transcript NM_014319.5 (MANE Select); the canonical splice acceptor site of the intron before coding-DNA position 2024, A replaced by G.
Molecular consequence: splice acceptor variant.
Genome position (GRCh38, 1-based): chr12:65,240,134, A>G. VCF-style: chr12-65240134-A-G. GRCh37 (hg19) VCF-style: chr12-65633914-A-G.
Other names: c.2021-2A>G (NM_001167614.2).
Identifiers: ClinVar variation 1687718 (VCV001687718.2), dbSNP rs2136354786, ClinGen allele CA385672152.
Genomic context (GRCh38, chr12:65,240,134, plus strand): 5'-TGCATGATTAAACTACATTATGTCAAGTGATTGATTCATTTGTAAATTTTATTTATTTTT[A>G]GATGTTTTACGAAGTCATAATGAAGCCTGCCAGGAAAACAAAGATTTACAACCTTACATG-3'

ClinVar aggregate classification (germline): Pathogenic (1 of 4 stars; one submission).

Conditions:
Dermatofibrosis lenticularis disseminata (BOS). Also called: DERMATOFIBROSIS LENTICULARIS DISSEMINATA WITH OSTEOPOIKILOSIS; DERMATOOSTEOPOIKILOSIS; OSTEOPATHIA CONDENSANS DISSEMINATA. Identifiers: Orphanet 1306, MedGen C0265514, MONDO:0008157, OMIM 166700.

Allele frequency attached by ClinVar (database versions not stated): gnomAD exomes below 0.00001.
gnomAD v4.1: 1 of 1,608,158 alleles (0.000062%); highest among the groups gnomAD compares: Non-Finnish European, 0.000085%; no homozygotes.

Submission:

Center for Human Genetics and Genomic Medicine, Uniklinik Rwth Aachen
Classification: Pathogenic for Dermatofibrosis lenticularis disseminata. Last evaluated: 2022-05-25. Review status: criteria provided, single submitter. Criteria: ACMG Guidelines, 2015. Collection method: clinical testing. Allele origin: de novo. Inheritance: Autosomal dominant inheritance. Affected: yes. Observed: 1 heterozygote.
Comment: The detected change has not yet been reported in the relevant databases (dbSNP151, gnomAD, ClinVar) or in the literature (as of May 25, 2022). The change is located in a canonical splicing site and thus in all probability leads to altered splicing and thus to a loss of function of the corresponding protein. In the case of loss-of-function variants in a gene that matches the phenotype, there is a high probability of pathogenetic relevance. The variant is currently to be regarded as a "pathogenic variant" (ACMG criteria).